The following is an entry in ClinVar:

NM_004408.4(DNM1):c.1399C>T (p.Arg467Cys)

Gene: DNM1 (dynamin 1; plus strand). Cytogenetic location: 9q34.11.
Variant type: single nucleotide variant.
Coding change: c.1399C>T on transcript NM_004408.4 (MANE Select); coding-DNA position 1399, C replaced by T.
Protein change: p.Arg467Cys; replaces arginine 467 with cysteine.
Molecular consequence: missense variant.
Genome position (GRCh38, 1-based): chr9:128,234,084, C>T. VCF-style: chr9-128234084-C-T. GRCh37 (hg19) VCF-style: chr9-130996363-C-T.
Other names: c.1399C>T, p.Arg467Cys (NM_001005336.3, NM_001288737.2, NM_001288738.2 and 1 more transcripts); short protein forms R467C.
Identifiers: ClinVar variation 521971 (VCV000521971.11), dbSNP rs769485700, ClinGen allele CA5258146.

ClinVar aggregate classification (germline): Uncertain significance. Review status: criteria provided, multiple submitters, no conflicts (2 of 4 stars). 3 submissions from 3 submitters: Uncertain significance (3). Last evaluated 2024-04-23.

Conditions:
Inborn genetic diseases. Identifiers: MedGen C0950123, MeSH D030342.
Developmental and epileptic encephalopathy, 31A. Also called: Epileptic encephalopathy, early infantile, 31; Developmental and epileptic encephalopathy, 31. Identifiers: Orphanet 2382, MedGen C4225357, MONDO:0014598, OMIM 616346.

Allele frequency attached by ClinVar (database versions not stated): TOPMed below 0.00001; gnomAD 0.00001 and 0.00002; gnomAD exomes 0.00003; ExAC 0.00013; 1000 Genomes Project 30x 0.00016.
gnomAD v4.1: 20 of 1,569,408 alleles (0.0013%); highest among the groups gnomAD compares: East Asian, 0.017%; no homozygotes.

Submissions (3):

Women's Health and Genetics/Laboratory Corporation of America, LabCorp
Classification: Uncertain significance. Last evaluated: 2024-04-23. Review status: criteria provided, single submitter. Criteria: LabCorp Variant Classification Summary - May 2015. Collection method: clinical testing. Allele origin: germline.
Comment: Variant summary: DNM1 c.1399C>T (p.Arg467Cys) results in a non-conservative amino acid change located in the Dynamin stalk domain (IPR000375) of the encoded protein sequence. Three of five in-silico tools predict a damaging effect of the variant on protein function. The frequency data for this variant in gnomAD is considered unreliable, as metrics indicate poor data quality at this position. To our knowledge, no occurrence of c.1399C>T in individuals affected with Developmental And Epileptic Encephalopathy, 31 and no experimental evidence demonstrating its impact on protein function have been reported. ClinVar contains an entry for this variant (Variation ID: 521971). Based on the evidence outlined above, the variant was classified as uncertain significance.

Labcorp Genetics (formerly Invitae), Labcorp
Classification: Uncertain significance for Developmental and epileptic encephalopathy, 31A. Last evaluated: 2022-08-31. Review status: criteria provided, single submitter. Criteria: Invitae Variant Classification Sherloc (09022015). Collection method: clinical testing. Allele origin: germline.
Comment: In summary, the available evidence is currently insufficient to determine the role of this variant in disease. Therefore, it has been classified as a Variant of Uncertain Significance. Algorithms developed to predict the effect of missense changes on protein structure and function are either unavailable or do not agree on the potential impact of this missense change (SIFT: "Deleterious"; PolyPhen-2: "Benign"; Align-GVGD: "Class C0"). ClinVar contains an entry for this variant (Variation ID: 521971). This variant has not been reported in the literature in individuals affected with DNM1-related conditions. The frequency data for this variant in the population databases is considered unreliable, as metrics indicate poor data quality at this position in the gnomAD database. This sequence change replaces arginine, which is basic and polar, with cysteine, which is neutral and slightly polar, at codon 467 of the DNM1 protein (p.Arg467Cys).

Ambry Genetics
Classification: Uncertain significance for Inborn genetic diseases. Last evaluated: 2017-08-10. Review status: criteria provided, single submitter. Criteria: Ambry exome assertion method (8-5-2015). Collection method: clinical testing. Allele origin: germline. Affected: yes. Observed: 1 variant allele.